The following is an entry in ClinVar:

ClinVar aggregate classification (germline): Benign. Review status: criteria provided, multiple submitters, no conflicts (2 of 4 stars). 4 submissions from 4 submitters: Benign (3). 1 of the submissions does not count toward it. Last evaluated 2026-02-04.

Conditions:
Glycine encephalopathy. Also called: Non-ketotic hyperglycinemia; Nonketotic hyperglycinemia. Identifiers: Orphanet 407, MedGen C0751748, MONDO:0011612, HP:0008288.

Allele frequency attached by ClinVar (database versions not stated): gnomAD 0.00006; TOPMed 0.00009; ExAC 0.00171; 1000 Genomes Project 30x 0.00234; 1000 Genomes Project 0.00260.
gnomAD v4.1: 1,120 of 1,613,274 alleles (0.069%); highest among the groups gnomAD compares: South Asian, 1.2%; 15 homozygotes.

Submissions (4):

Labcorp Genetics (formerly Invitae), Labcorp
Classification: Benign for Glycine encephalopathy. Last evaluated: 2026-02-04. Review status: criteria provided, single submitter. Criteria: Invitae Variant Classification Sherloc (09022015). Collection method: clinical testing. Allele origin: germline.

GeneDx
Classification: Benign. Last evaluated: 2019-11-18. Review status: criteria provided, single submitter. Criteria: GeneDx Variant Classification Process June 2021. Collection method: clinical testing. Allele origin: germline. Affected: yes.

Illumina Laboratory Services, Illumina
Classification: Benign for Glycine encephalopathy 1. Last evaluated: 2018-01-13. Review status: criteria provided, single submitter. Criteria: ICSL Variant Classification Criteria 13 December 2019. Collection method: clinical testing. Allele origin: germline.
Comment: This variant was observed in the ICSL laboratory as part of a predisposition screen in an ostensibly healthy population. It had not been previously curated by ICSL or reported in the Human Gene Mutation Database (HGMD: prior to June 1st, 2018), and was therefore a candidate for classification through an automated scoring system. Utilizing variant allele frequency, disease prevalence and penetrance estimates, and inheritance mode, an automated score was calculated to assess if this variant is too frequent to cause the disease. Based on the score and internal cut-off values, a variant classified as benign is not then subjected to further curation. The score for this variant resulted in a classification of benign for this disease.

Natera, Inc.
Classification: Benign for Non-ketotic hyperglycinemia. Last evaluated: 2020-09-16. Review status: no assertion criteria provided. Collection method: clinical testing. Allele origin: germline. Not counted in ClinVar's aggregate classification.

NM_000170.3(GLDC):c.2920-8C>T

Gene: GLDC (glycine decarboxylase; minus strand). Cytogenetic location: 9p24.1.
Variant type: single nucleotide variant.
Coding change: c.2920-8C>T on transcript NM_000170.3 (MANE Select); 8 bases into the intron before coding-DNA position 2920, C replaced by T.
Molecular consequence: intron variant.
Genome position (GRCh38, 1-based): chr9:6,533,168, G>A on the plus strand (C>T on the coding strand, the complement: GLDC is on the minus strand). VCF-style: chr9-6533168-G-A. GRCh37 (hg19) VCF-style: chr9-6533168-G-A.
Identifiers: ClinVar variation 702301 (VCV000702301.16), dbSNP rs138786708, ClinGen allele CA4979997.